The following is an entry in ClinVar:

NM_003394.4(WNT10B):c.1127G>A (p.Cys376Tyr)

Gene: WNT10B (Wnt family member 10B; minus strand). Cytogenetic location: 12q13.12.
Variant type: single nucleotide variant.
Coding change: c.1127G>A on transcript NM_003394.4 (MANE Select); coding-DNA position 1127, G replaced by A.
Protein change: p.Cys376Tyr; replaces cysteine 376 with tyrosine.
Molecular consequence: missense variant.
Genome position (GRCh38, 1-based): chr12:48,966,138, C>T on the plus strand (G>A on the coding strand, the complement: WNT10B is on the minus strand). VCF-style: chr12-48966138-C-T. GRCh37 (hg19) VCF-style: chr12-49359921-C-T.
Other names: short protein forms C376Y.
Identifiers: ClinVar variation 2502573 (VCV002502573.1), dbSNP rs2498935607, ClinGen allele CA384670975.

ClinVar aggregate classification (germline): Uncertain significance (1 of 4 stars; one submission).

gnomAD v4.1: 1 of 1,613,782 alleles (0.000062%); no homozygotes.

Submission:

GeneDx
Classification: Uncertain significance. Last evaluated: 2022-11-22. Review status: criteria provided, single submitter. Criteria: GeneDx Variant Classification Process June 2021. Collection method: clinical testing. Allele origin: germline. Affected: yes.
Comment: Not observed at significant frequency in large population cohorts (gnomAD); In silico analysis supports that this missense variant has a deleterious effect on protein structure/function; Has not been previously published as pathogenic or benign to our knowledge